The following is an entry in ClinVar:

ClinVar aggregate classification (germline): Uncertain significance (1 of 4 stars; one submission).

Submission:

GeneDx
Classification: Uncertain significance. Last evaluated: 2024-08-02. Review status: criteria provided, single submitter. Criteria: GeneDx Variant Classification Process June 2021. Collection method: clinical testing. Allele origin: germline.
Comment: Not observed at significant frequency in large population cohorts (gnomAD); In silico analysis supports that this missense variant has a deleterious effect on protein structure/function; Has not been previously published as pathogenic or benign to our knowledge

NM_014762.4(DHCR24):c.417G>A (p.Met139Ile)

Gene: DHCR24 (24-dehydrocholesterol reductase; minus strand). Cytogenetic location: 1p32.3.
Variant type: single nucleotide variant.
Coding change: c.417G>A on transcript NM_014762.4 (MANE Select); coding-DNA position 417, G replaced by A.
Protein change: p.Met139Ile; replaces methionine 139 with isoleucine.
Molecular consequence: missense variant.
Genome position (GRCh38, 1-based): chr1:54,876,018, C>T on the plus strand (G>A on the coding strand, the complement: DHCR24 is on the minus strand). VCF-style: chr1-54876018-C-T. GRCh37 (hg19) VCF-style: chr1-55341691-C-T.
Other names: short protein forms M139I.
Identifiers: ClinVar variation 2663220 (VCV002663220.2), dbSNP rs2524736257, ClinGen allele CA340461946.